The following is an entry in ClinVar:

ClinVar aggregate classification (germline): Benign/Likely benign. Review status: criteria provided, multiple submitters, no conflicts (2 of 4 stars). 7 submissions from 7 submitters: Benign (4); Likely benign (3). Last evaluated 2026-01-13.

Conditions:
Tuberous sclerosis 2 (TSC2). Identifiers: Orphanet 805, MedGen C1860707, MONDO:0013199, OMIM 613254.
Isolated focal cortical dysplasia type II (FCORD2). Also called: CORTICAL DYSPLASIA OF TAYLOR; Focal cortical dysplasia type II. Identifiers: Orphanet 268994, MedGen C1846385, MONDO:0011818, OMIM 607341, HP:0032051.
Lymphangiomyomatosis (LAM). Also called: Lymphangioleiomyomatosis; Lymphangioleiomyomatosis, somatic. Identifiers: Orphanet 538, MedGen C0751674, MONDO:0011705, OMIM 606690.

Allele frequency attached by ClinVar (database versions not stated): TOPMed 0.00006; 1000 Genomes Project 30x 0.00016; gnomAD 0.00016.
gnomAD v4.1: 20 of 1,609,302 alleles (0.0012%); highest among the groups gnomAD compares: African/African-American, 0.024%; no homozygotes.

Submissions (7):

Labcorp Genetics (formerly Invitae), Labcorp
Classification: Benign for Tuberous sclerosis 2. Last evaluated: 2026-01-13. Review status: criteria provided, single submitter. Criteria: Invitae Variant Classification Sherloc (09022015). Collection method: clinical testing. Allele origin: germline.

KCCC/NGS Laboratory, Kuwait Cancer Control Center
Classification: Benign for Tuberous sclerosis 2. Last evaluated: 2025-02-01. Review status: criteria provided, single submitter. Criteria: ACMG Guidelines, 2015. Collection method: clinical testing. Allele origin: germline. Affected: no.

Myriad Genetics, Inc.
Classification: Likely benign for Tuberous sclerosis 2. Last evaluated: 2024-08-06. Review status: criteria provided, single submitter. Criteria: Myriad Autosomal Dominant, Autosomal Recessive and X-Linked Classification Criteria (2023). Collection method: clinical testing. Allele origin: unknown.
Comment: This variant is considered likely benign. This variant is intronic and is not expected to impact mRNA splicing. This variant has been observed at a population frequency that is significantly greater than expected given the associated disease prevalence and penetrance.

Fulgent Genetics
Classification: Likely benign for Lymphangiomyomatosis; Isolated focal cortical dysplasia type II; Tuberous sclerosis 2. Last evaluated: 2022-03-16. Review status: criteria provided, single submitter. Criteria: ACMG Guidelines, 2015. Collection method: clinical testing. Allele origin: unknown.

Mayo Clinic Laboratories, Mayo Clinic
Classification: Benign. Last evaluated: 2021-11-26. Review status: criteria provided, single submitter. Criteria: ACMG Guidelines, 2015. Collection method: clinical testing. Allele origin: germline. Observed: 2 variant alleles.
Comment: BS1, BS2, BP4

Genome-Nilou Lab
Classification: Benign for Tuberous sclerosis 2. Last evaluated: 2021-11-07. Review status: criteria provided, single submitter. Criteria: ACMG Guidelines, 2015. Collection method: clinical testing. Allele origin: germline. Affected: no.

GeneDx
Classification: Likely benign. Last evaluated: 2021-04-19. Review status: criteria provided, single submitter. Criteria: GeneDx Variant Classification Process June 2021. Collection method: clinical testing. Allele origin: germline. Affected: yes.

NM_000548.5(TSC2):c.649-9C>G

Gene: TSC2 (TSC complex subunit 2; plus strand). Cytogenetic location: 16p13.3.
Variant type: single nucleotide variant.
Coding change: c.649-9C>G on transcript NM_000548.5 (MANE Select); 9 bases into the intron before coding-DNA position 649, C replaced by G.
Molecular consequence: intron variant.
Genome position (GRCh38, 1-based): chr16:2,056,635, C>G. VCF-style: chr16-2056635-C-G. GRCh37 (hg19) VCF-style: chr16-2106636-C-G.
Other names: p.?; c.649-9C>G (NM_001114382.3, NM_021055.3, NM_001370405.1 and 4 more transcripts); c.538-9C>G (NM_001318827.2); c.49-9C>G (NM_001318831.2); c.502-9C>G (NM_001318829.2); c.682-9C>G (NM_001318832.2).
Identifiers: ClinVar variation 468172 (VCV000468172.21), dbSNP rs781099543, ClinGen allele CA056040.
Genomic context (GRCh38, chr16:2,056,635, plus strand): 5'-GCCTGGGTGTCCTCTCCTGTGGGGAGGAGCTGGGGTAGGACGGGCGTGAGCCGTCTCCCT[C>G]TCCACCAGGTCTCCCTGCAGGTGCTGGACGCCGTGGTCTGCTACAACTGCCTGCCGGCTG-3'